The following is an entry in ClinVar:

NM_000440.3(PDE6A):c.1965T>G (p.His655Gln)

Gene: PDE6A (phosphodiesterase 6A; minus strand). Cytogenetic location: 5q32.
Variant type: single nucleotide variant.
Coding change: c.1965T>G on transcript NM_000440.3 (MANE Select); coding-DNA position 1965, T replaced by G.
Protein change: p.His655Gln; replaces histidine 655 with glutamine.
Molecular consequence: missense variant.
Genome position (GRCh38, 1-based): chr5:149,884,541, A>C on the plus strand (T>G on the coding strand, the complement: PDE6A is on the minus strand). VCF-style: chr5-149884541-A-C. GRCh37 (hg19) VCF-style: chr5-149264104-A-C.
Other names: short protein forms H655Q.
Identifiers: ClinVar variation 1355151 (VCV001355151.5), dbSNP rs753303277, ClinGen allele CA361693336.
Genomic context (GRCh38, chr5:149,884,541, plus strand): 5'-GAAATACAGGGCGAGGTCTGTGGCAATGATTGCAATGTCCATCATGTGGATGGCATGCTC[A>C]TGCTGTCGACGATTGAGGTTTTGAAAGATATTCAGGCTCTAAAGAAAAAAAGAGAAGCGA-3'
Protein context (NP_000431.2, residues 645-665): NIFQNLNRRQ[His655Gln]EHAIHMMDIA

ClinVar aggregate classification (germline): Uncertain significance. Review status: criteria provided, multiple submitters, no conflicts (2 of 4 stars). 2 submissions from 2 submitters: Uncertain significance (2). Last evaluated 2022-03-29.

gnomAD v4.1: 18 of 1,613,854 alleles (0.0011%); highest among the groups gnomAD compares: Non-Finnish European, 0.0014%; no homozygotes.

Submissions (2):

Labcorp Genetics (formerly Invitae), Labcorp
Classification: Uncertain significance. Last evaluated: 2022-03-29. Review status: criteria provided, single submitter. Criteria: Invitae Variant Classification Sherloc (09022015). Collection method: clinical testing. Allele origin: germline.
Comment: In summary, the available evidence is currently insufficient to determine the role of this variant in disease. Therefore, it has been classified as a Variant of Uncertain Significance. Algorithms developed to predict the effect of sequence changes on RNA splicing suggest that this variant may create or strengthen a splice site. Algorithms developed to predict the effect of missense changes on protein structure and function are either unavailable or do not agree on the potential impact of this missense change (SIFT: "Tolerated"; PolyPhen-2: "Possibly Damaging"; Align-GVGD: "Class C0"). This variant has not been reported in the literature in individuals affected with PDE6A-related conditions. This variant is present in population databases (no rsID available, gnomAD 0.0009%). This sequence change replaces histidine, which is basic and polar, with glutamine, which is neutral and polar, at codon 655 of the PDE6A protein (p.His655Gln).

Blueprint Genetics
Classification: Uncertain significance. Last evaluated: 2019-02-19. Review status: criteria provided, single submitter. Criteria: ACMG Guidelines, 2015. Collection method: clinical testing. Allele origin: germline.